The following is an entry in ClinVar:

ClinVar aggregate classification (germline): Uncertain significance (1 of 4 stars; one submission).

Allele frequency attached by ClinVar (database versions not stated): gnomAD exomes below 0.00001.
gnomAD v4.1: 1 of 1,613,890 alleles (0.000062%); highest among the groups gnomAD compares: Admixed American, 0.0017%; no homozygotes.

Submission:

Labcorp Genetics (formerly Invitae), Labcorp
Classification: Uncertain significance. Last evaluated: 2022-08-05. Review status: criteria provided, single submitter. Criteria: Invitae Variant Classification Sherloc (09022015). Collection method: clinical testing. Allele origin: germline.
Comment: In summary, the available evidence is currently insufficient to determine the role of this variant in disease. Therefore, it has been classified as a Variant of Uncertain Significance. Algorithms developed to predict the effect of sequence changes on RNA splicing suggest that this variant may create or strengthen a splice site. Algorithms developed to predict the effect of missense changes on protein structure and function are either unavailable or do not agree on the potential impact of this missense change (SIFT: "Deleterious"; PolyPhen-2: "Possibly Damaging"; Align-GVGD: "Class C0"). This variant has not been reported in the literature in individuals affected with DOCK6-related conditions. This variant is not present in population databases (gnomAD no frequency). This sequence change replaces isoleucine, which is neutral and non-polar, with valine, which is neutral and non-polar, at codon 1782 of the DOCK6 protein (p.Ile1782Val).

NM_020812.4(DOCK6):c.5344A>G (p.Ile1782Val)

Gene: DOCK6 (dedicator of cytokinesis 6; minus strand). Cytogenetic location: 19p13.2.
Variant type: single nucleotide variant.
Coding change: c.5344A>G on transcript NM_020812.4 (MANE Select); coding-DNA position 5344, A replaced by G.
Protein change: p.Ile1782Val; replaces isoleucine 1782 with valine.
Molecular consequence: missense variant.
Genome position (GRCh38, 1-based): chr19:11,202,601, T>C on the plus strand (A>G on the coding strand, the complement: DOCK6 is on the minus strand). VCF-style: chr19-11202601-T-C. GRCh37 (hg19) VCF-style: chr19-11313277-T-C.
Other names: c.5449A>G, p.Ile1817Val (NM_001367830.1); short protein forms I1782V, I1817V.
Identifiers: ClinVar variation 2092555 (VCV002092555.4), dbSNP rs2512929059, ClinGen allele CA404074791.